The following is an entry in ClinVar:

NM_001267550.2(TTN):c.94651del (p.Glu31550_Val31551insTer)

Genes: TTN (titin; minus strand), TTN-AS1 (TTN antisense RNA 1; plus strand). Cytogenetic location: 2q31.2.
Variant type: Deletion.
Coding change: c.94651del on transcript NM_001267550.2 (MANE Select); coding-DNA position 94651, one base deleted (G; older notation c.94651delG).
Protein change: p.Glu31550_Val31551insTer.
Molecular consequence: nonsense.
Genome position (GRCh38, 1-based): chr2:178,546,777, C deleted on the plus strand (G on the coding strand, the reverse complement: TTN is on the minus strand); the first of 2 consecutive C bases (chr2:178,546,777-178,546,778); deleting either gives the same sequence. VCF-style (leftmost placement, unchanged base first): chr2-178546776-AC-A. GRCh37 (hg19) VCF-style: chr2-179411503-AC-A.
Other names: p.Val29910*; c.89728del, p.Glu29909_Val29910insTer (NM_001256850.1); c.67456del, p.Glu22485_Val22486insTer (NM_003319.4); c.86947del, p.Glu28982_Val28983insTer (NM_133378.4); c.67831del, p.Glu22610_Val22611insTer (NM_133432.3); c.68032del, p.Glu22677_Val22678insTer (NM_133437.4).
Identifiers: ClinVar variation 4540705 (VCV004540705.1).

ClinVar aggregate classification (germline): Likely pathogenic (1 of 4 stars; one submission).

Submission:

Mayo Clinic Laboratories, Mayo Clinic
Classification: Likely pathogenic. Last evaluated: 2025-04-22. Review status: criteria provided, single submitter. Criteria: ACMG Guidelines, 2015. Collection method: clinical testing. Allele origin: germline. Observed: 1 variant allele.
Comment: PM2_supporting, PVS1